The following is an entry in ClinVar:

ClinVar aggregate classification (germline): Uncertain significance (1 of 4 stars; one submission).

Allele frequency attached by ClinVar (database versions not stated): gnomAD exomes 0.00001 and 0.00003; 1000 Genomes Project 30x 0.00016; 1000 Genomes Project 0.00020.

Submission:

GeneDx
Classification: Uncertain significance. Last evaluated: 2019-04-17. Review status: criteria provided, single submitter. Criteria: GeneDx Variant Classification Process June 2021. Collection method: clinical testing. Allele origin: germline. Affected: yes.
Comment: In silico analysis, which includes protein predictors and evolutionary conservation, supports that this variant does not alter protein structure/function; Has not been previously published as pathogenic or benign to our knowledge

NM_024592.5(SRD5A3):c.38A>C (p.Asn13Thr)

Gene: SRD5A3 (steroid 5 alpha-reductase 3; plus strand). Cytogenetic location: 4q12.
Variant type: single nucleotide variant.
Coding change: c.38A>C on transcript NM_024592.5 (MANE Select); coding-DNA position 38, A replaced by C.
Protein change: p.Asn13Thr; replaces asparagine 13 with threonine.
Molecular consequence: missense variant.
Genome position (GRCh38, 1-based): chr4:55,346,374, A>C. VCF-style: chr4-55346374-A-C. GRCh37 (hg19) VCF-style: chr4-56212541-A-C.
Other names: short protein forms N13T.
Identifiers: ClinVar variation 1305174 (VCV001305174.2), dbSNP rs556318355, ClinGen allele CA2925189.
Genomic context (GRCh38, chr4:55,346,374, plus strand): 5'-CGCGGAAGGCGGGCACGCGGGCCATGGCTCCCTGGGCGGAGGCCGAGCACTCGGCGCTGA[A>C]CCCGCTGCGCGCGGTGTGGCTCACGCTGACCGCCGCCTTCCTGCTGACCCTACTGCTGCA-3'
Protein context (NP_078868.1, residues 3-23): PWAEAEHSAL[Asn13Thr]PLRAVWLTLT